The following is an entry in ClinVar:

NM_000548.5(TSC2):c.1744C>T (p.His582Tyr)

Gene: TSC2 (TSC complex subunit 2; plus strand). Cytogenetic location: 16p13.3.
Variant type: single nucleotide variant.
Coding change: c.1744C>T on transcript NM_000548.5 (MANE Select); coding-DNA position 1744, C replaced by T.
Protein change: p.His582Tyr; replaces histidine 582 with tyrosine.
Molecular consequence: missense variant. On other transcripts: non-coding transcript variant (5).
Genome position (GRCh38, 1-based): chr16:2,070,483, C>T. VCF-style: chr16-2070483-C-T. GRCh37 (hg19) VCF-style: chr16-2120484-C-T.
Other names: c.1744C>T, p.His582Tyr (NM_001077183.3, NM_001114382.3, NM_001363528.2 and 6 more transcripts); c.1633C>T, p.His545Tyr (NM_001318827.2, NM_001406678.1, NM_001406670.1); c.1597C>T, p.His533Tyr (NM_001318829.2, NM_001406675.1, NM_001406676.1 and 1 more transcripts); c.1144C>T, p.His382Tyr (NM_001318831.2, NM_001406680.1, NM_001406682.1 and 6 more transcripts); c.1777C>T, p.His593Tyr (NM_001318832.2); c.1687C>T, p.His563Tyr (NM_001406677.1); c.1282C>T, p.His428Tyr (NM_001406681.1); c.400C>T, p.His134Tyr (NM_001406694.1, NM_001406695.1, NM_001406696.1 and 6 more transcripts); and 3 more; short protein forms H428Y, H563Y, H582Y, H533Y, H545Y, H134Y, H578Y, H612Y.
Identifiers: ClinVar variation 2698625 (VCV002698625.4), dbSNP rs1385373190, ClinGen allele CA394272762.

ClinVar aggregate classification (germline): Conflicting classifications of pathogenicity. Review status: criteria provided, conflicting classifications (1 of 4 stars). 2 submissions from 2 submitters: Uncertain significance (1); Likely benign (1). Last evaluated 2025-12-09.

Conditions:
Tuberous sclerosis 2 (TSC2). Identifiers: Orphanet 805, MedGen C1860707, MONDO:0013199, OMIM 613254.
Hereditary cancer-predisposing syndrome. Also called: Hereditary Cancer Syndrome; Hereditary neoplastic syndrome; Neoplastic Syndromes, Hereditary; Tumor predisposition. Identifiers: Orphanet 140162, MedGen C0027672, MeSH D009386, MONDO:0015356.

gnomAD v4.1: 8 of 1,613,416 alleles (0.0005%); highest among the groups gnomAD compares: Non-Finnish European, 0.00059%; no homozygotes.

Submissions (2):

Labcorp Genetics (formerly Invitae), Labcorp
Classification: Likely benign for Tuberous sclerosis 2. Last evaluated: 2025-12-09. Review status: criteria provided, single submitter. Criteria: Invitae Variant Classification Sherloc (09022015). Collection method: clinical testing. Allele origin: germline.

Ambry Genetics
Classification: Uncertain significance for Hereditary cancer-predisposing syndrome. Last evaluated: 2025-07-28. Review status: criteria provided, single submitter. Criteria: Ambry Variant Classification Scheme 2023. Collection method: clinical testing. Allele origin: germline.
Comment: The p.H582Y variant (also known as c.1744C>T), located in coding exon 16 of the TSC2 gene, results from a C to T substitution at nucleotide position 1744. The histidine at codon 582 is replaced by tyrosine, an amino acid with similar properties. This amino acid position is well conserved in available vertebrate species. In addition, this alteration is predicted to be deleterious by in silico analysis. Based on the available evidence, the clinical significance of this variant remains unclear.